The following is an entry in ClinVar:

ClinVar aggregate classification (germline): Likely pathogenic (1 of 4 stars; one submission).

Conditions:
Inborn genetic diseases. Identifiers: MedGen C0950123, MeSH D030342.

Allele frequency attached by ClinVar (database versions not stated): gnomAD exomes below 0.00001; gnomAD 0.00001.
gnomAD v4.1: 6 of 1,605,740 alleles (0.00037%); highest among the groups gnomAD compares: African/African-American, 0.0013%; no homozygotes.

Submission:

Ambry Genetics
Classification: Likely pathogenic for Inborn genetic diseases. Last evaluated: 2023-08-29. Review status: criteria provided, single submitter. Criteria: Ambry Variant Classification Scheme 2023. Collection method: clinical testing. Allele origin: germline.
Comment: The c.1134+1G>C intronic variant results from a G to C substitution one nucleotide after exon 8 (coding exon 7) of the BRAT1 gene. Alterations that disrupt the canonical splice site are expected to cause aberrant splicing, resulting in an abnormal protein or a transcript that is subject to nonsense-mediated mRNA decay. This allele was reported in one heterozygous individual in population-based cohorts in the Genome Aggregation Database (gnomAD). This nucleotide position is highly conserved in available vertebrate species. In silico splice site analysis predicts that this alteration will weaken the native splice donor site and will result in the creation or strengthening of a novel splice donor site. Based on the available evidence, this alteration is classified as likely pathogenic.

NM_152743.4(BRAT1):c.1134+1G>C

Gene: BRAT1 (BRCA1 associated ATM activator 1; minus strand). Cytogenetic location: 7p22.3.
Variant type: single nucleotide variant.
Coding change: c.1134+1G>C on transcript NM_152743.4 (MANE Select); the canonical splice donor site of the intron after coding-DNA position 1134, G replaced by C.
Molecular consequence: splice donor variant.
Genome position (GRCh38, 1-based): chr7:2,541,717, C>G on the plus strand (G>C on the coding strand, the complement: BRAT1 is on the minus strand). VCF-style: chr7-2541717-C-G. GRCh37 (hg19) VCF-style: chr7-2581351-C-G.
Other names: c.609+1G>C (NM_001350627.2); c.1134+1G>C (NM_001350626.2).
Identifiers: ClinVar variation 2619756 (VCV002619756.2), dbSNP rs1407067985, ClinGen allele CA366629524.